The following is an entry in ClinVar:

NM_001377.3(DYNC2H1):c.12567-172G>A

Gene: DYNC2H1 (dynein cytoplasmic 2 heavy chain 1; plus strand). Cytogenetic location: 11q22.3.
Variant type: single nucleotide variant.
Coding change: c.12567-172G>A on transcript NM_001377.3 (MANE Select); 172 bases into the intron before coding-DNA position 12567, G replaced by A.
Molecular consequence: intron variant.
Genome position (GRCh38, 1-based): chr11:103,456,103, G>A. VCF-style: chr11-103456103-G-A. GRCh37 (hg19) VCF-style: chr11-103326831-G-A.
Other names: c.12588-172G>A (NM_001080463.2).
Identifiers: ClinVar variation 667817 (VCV000667817.1), dbSNP rs313871, ClinGen allele CA15687001.

ClinVar aggregate classification (germline): Benign (1 of 4 stars; one submission).

Allele frequency attached by ClinVar (database versions not stated): gnomAD 0.60883 and 0.60966; TOPMed 0.62826; 1000 Genomes Project 0.69529; 1000 Genomes Project 30x 0.69535.
gnomAD v4.1: 92,578 of 151,970 alleles (61%); highest among the groups gnomAD compares: African/African-American, 82%; 29,961 homozygotes.

Submission:

GeneDx
Classification: Benign. Last evaluated: 2018-06-14. Review status: criteria provided, single submitter. Criteria: GeneDx Variant Classification (06012015). Collection method: clinical testing. Allele origin: germline. Affected: yes.
Comment: This variant is considered likely benign or benign based on one or more of the following criteria: it is a conservative change, it occurs at a poorly conserved position in the protein, it is predicted to be benign by multiple in silico algorithms, and/or has population frequency not consistent with disease.